The following is an entry in ClinVar:

ClinVar aggregate classification (germline): Benign/Likely benign. Review status: criteria provided, multiple submitters, no conflicts (2 of 4 stars). 3 submissions from 3 submitters: Benign (1); Likely benign (2). Last evaluated 2024-04-22.

Conditions:
Hereditary cancer-predisposing syndrome. Also called: Hereditary Cancer Syndrome; Hereditary neoplastic syndrome; Neoplastic Syndromes, Hereditary; Tumor predisposition. Identifiers: Orphanet 140162, MedGen C0027672, MeSH D009386, MONDO:0015356.
Familial cancer of breast. Also called: hereditary breast carcinoma; BREAST CANCER, FAMILIAL; Hereditary breast cancer. Identifiers: Orphanet 227535, MedGen C0346153, MONDO:0016419, OMIM 114480. Disease mechanism: loss of function.
Ataxia-telangiectasia syndrome (AT). Also called: Ataxia-telangiectasia, complementation group E; LOUIS-BAR SYNDROME; Cerebello-oculocutaneous telangiectasia; Immunodeficiency with ataxia telangiectasia; Ataxia-telangiectasia, complementation group D; AT, COMPLEMENTATION GROUP C. Identifiers: Orphanet 100, MedGen C0004135, MONDO:0008840, OMIM 208900.

Allele frequency attached by ClinVar (database versions not stated): gnomAD exomes below 0.00001.
gnomAD v4.1: 1 of 1,613,640 alleles (0.000062%); highest among the groups gnomAD compares: Non-Finnish European, 0.000085%; no homozygotes.

Submissions (3):

Myriad Genetics, Inc.
Classification: Benign for Familial cancer of breast. Last evaluated: 2024-04-22. Review status: criteria provided, single submitter. Criteria: Myriad Autosomal Dominant, Autosomal Recessive and X-Linked Classification Criteria (2023). Collection method: clinical testing. Allele origin: unknown.
Comment: This variant is considered benign. This variant is a silent/synonymous amino acid change and it is not expected to impact splicing.

Labcorp Genetics (formerly Invitae), Labcorp
Classification: Likely benign for Ataxia-telangiectasia syndrome. Last evaluated: 2024-02-17. Review status: criteria provided, single submitter. Criteria: Invitae Variant Classification Sherloc (09022015). Collection method: clinical testing. Allele origin: germline.

Color Diagnostics, LLC DBA Color Health
Classification: Likely benign for Hereditary cancer-predisposing syndrome. Last evaluated: 2019-04-17. Review status: criteria provided, single submitter. Criteria: ACMG Guidelines, 2015. Collection method: clinical testing. Allele origin: germline.

NM_000051.4(ATM):c.645G>A (p.Lys215=)

Gene: ATM (ATM serine/threonine kinase; plus strand). Cytogenetic location: 11q22.3.
Variant type: single nucleotide variant.
Coding change: c.645G>A on transcript NM_000051.4 (MANE Select); coding-DNA position 645, G replaced by A.
Protein change: p.Lys215=; no amino-acid change (lysine 215 retained).
Molecular consequence: synonymous variant.
Genome position (GRCh38, 1-based): chr11:108,244,101, G>A. VCF-style: chr11-108244101-G-A. GRCh37 (hg19) VCF-style: chr11-108114828-G-A.
Other names: c.645G>A, p.Lys215= (NM_001351834.2).
Identifiers: ClinVar variation 923702 (VCV000923702.11), dbSNP rs2079708544, ClinGen allele CA476671479.
Genomic context (GRCh38, chr11:108,244,101, plus strand): 5'-CAAAGGATGCTGTTCTCAGACTGACGGATTAAATTCCAAATTTTTGGACTTTTTTTCCAA[G>A]GCTATTCAGTGTGCGAGGTAATCTAATCTCTTTTTCTTTTGTTTTGTATTGAAATACTTT-3'
Protein context (NP_000042.3, residues 205-225): LNSKFLDFFS[Lys215=]AIQCARQEKS